The following is an entry in ClinVar:

ClinVar aggregate classification (germline): Pathogenic/Likely pathogenic. Review status: criteria provided, multiple submitters, no conflicts (2 of 4 stars). 4 submissions from 4 submitters: Pathogenic (3); Likely pathogenic (1). Last evaluated 2026-03-03.

Conditions:
Glycogen storage disease, type V (GSD5). Also called: MCARDLE DISEASE; MUSCLE GLYCOGEN PHOSPHORYLASE DEFICIENCY; MYOPHOSPHORYLASE DEFICIENCY; PYGM DEFICIENCY; McArdle type glycogen storage disease. Identifiers: Orphanet 368, MedGen C0017924, MONDO:0009293, OMIM 232600.

Allele frequency attached by ClinVar (database versions not stated): gnomAD exomes below 0.00001.
gnomAD v4.1: 3 of 1,613,730 alleles (0.00019%); highest among the groups gnomAD compares: Non-Finnish European, 0.00017%; no homozygotes.

Submissions (4):

Women's Health and Genetics/Laboratory Corporation of America, LabCorp
Classification: Pathogenic for Glycogen storage disease, type V. Last evaluated: 2026-03-03. Review status: criteria provided, single submitter. Criteria: LabCorp Variant Classification Summary - May 2015. Collection method: clinical testing. Allele origin: germline.
Comment: Variant summary: PYGM c.1045G>A (p.Glu349Lys) results in a conservative amino acid change in the encoded protein sequence. Algorithms developed to predict the effect of missense changes on protein structure and function are either unavailable or do not agree on the potential impact of this missense change. The variant was absent in 250914 control chromosomes. c.1045G>A has been observed in multiple individuals affected with Glycogen Storage Disease, Type V (examples, Rommel_2006, Deschauer_2007, Lucia_2012, Martin_2001). These data indicate that the variant is likely to be associated with disease. To our knowledge, no experimental evidence demonstrating an impact on protein function has been reported. The following publications have been ascertained in the context of this evaluation (PMID: 17404776, 22250184, 11706962, 16793208). ClinVar contains an entry for this variant (Variation ID: 2678120). Based on the evidence outlined above, the variant was classified as pathogenic.

Fulgent Genetics
Classification: Likely pathogenic for Glycogen storage disease, type V. Last evaluated: 2024-02-22. Review status: criteria provided, single submitter. Criteria: ACMG Guidelines, 2015. Collection method: clinical testing. Allele origin: germline.

Baylor Genetics
Classification: Pathogenic for Glycogen storage disease, type V. Last evaluated: 2023-09-05. Review status: criteria provided, single submitter. Criteria: ACMG Guidelines, 2015. Collection method: clinical testing. Allele origin: unknown.

Labcorp Genetics (formerly Invitae), Labcorp
Classification: Pathogenic for Glycogen storage disease, type V. Last evaluated: 2023-07-16. Review status: criteria provided, single submitter. Criteria: Invitae Variant Classification Sherloc (09022015). Collection method: clinical testing. Allele origin: germline.
Comment: For these reasons, this variant has been classified as Pathogenic. Advanced modeling of protein sequence and biophysical properties (such as structural, functional, and spatial information, amino acid conservation, physicochemical variation, residue mobility, and thermodynamic stability) performed at Invitae indicates that this missense variant is expected to disrupt PYGM protein function. This variant is also known as E348K. This missense change has been observed in individuals with McArdle disease (PMID: 11706962, 17404776). This variant is not present in population databases (gnomAD no frequency). This sequence change replaces glutamic acid, which is acidic and polar, with lysine, which is basic and polar, at codon 349 of the PYGM protein (p.Glu349Lys).

Literature cited by the submitters: PubMed 22250184 (cited by Women's Health and Genetics/Laboratory Corporation of America, LabCorp); PubMed 11706962 (cited by Women's Health and Genetics/Laboratory Corporation of America, LabCorp and Labcorp Genetics (formerly Invitae), Labcorp); PubMed 17404776 (cited by Women's Health and Genetics/Laboratory Corporation of America, LabCorp and Labcorp Genetics (formerly Invitae), Labcorp); PubMed 16793208 (cited by Women's Health and Genetics/Laboratory Corporation of America, LabCorp).

NM_005609.4(PYGM):c.1045G>A (p.Glu349Lys)

Gene: PYGM (glycogen phosphorylase, muscle associated; minus strand). Cytogenetic location: 11q13.1.
Variant type: single nucleotide variant.
Coding change: c.1045G>A on transcript NM_005609.4 (MANE Select); coding-DNA position 1045, G replaced by A.
Protein change: p.Glu349Lys; replaces glutamic acid 349 with lysine.
Molecular consequence: missense variant.
Genome position (GRCh38, 1-based): chr11:64,754,300, C>T on the plus strand (G>A on the coding strand, the complement: PYGM is on the minus strand). VCF-style: chr11-64754300-C-T. GRCh37 (hg19) VCF-style: chr11-64521772-C-T.
Other names: c.781G>A, p.Glu261Lys (NM_001164716.1); short protein forms E261K, E349K.
Identifiers: ClinVar variation 2678120 (VCV002678120.6), dbSNP rs2496659888, ClinGen allele CA381177087.